The following is an entry in ClinVar:

NM_001042492.3(NF1):c.60+15G>A

Genes: MIR4733HG (MIR4733 host gene; minus strand), NF1 (neurofibromin 1; plus strand). Cytogenetic location: 17q11.2.
Variant type: single nucleotide variant.
Coding change: c.60+15G>A on transcript NM_001042492.3 (MANE Select); 15 bases into the intron after coding-DNA position 60, G replaced by A.
Molecular consequence: intron variant. On other transcripts: non-coding transcript variant (1).
Genome position (GRCh38, 1-based): chr17:31,095,384, G>A. VCF-style: chr17-31095384-G-A. GRCh37 (hg19) VCF-style: chr17-29422402-G-A.
Other names: c.60+15G>A (NM_000267.4, NM_001128147.3).
Identifiers: ClinVar variation 1586346 (VCV001586346.11), dbSNP rs756930099, ClinGen allele CA8485439.

ClinVar aggregate classification (germline): Likely benign. Review status: criteria provided, multiple submitters, no conflicts (2 of 4 stars). 3 submissions from 3 submitters: Likely benign (2). 1 of the submissions does not count toward it. Last evaluated 2025-12-21.

Conditions:
Neurofibromatosis, type 1 (NF1). Also called: VON RECKLINGHAUSEN DISEASE; NEUROFIBROMATOSIS, TYPE I, SOMATIC; Neurofibromatosis, type I; Peripheral type neurofibromatosis. Identifiers: Orphanet 636, MedGen C0027831, MONDO:0018975, OMIM 162200. Disease mechanism: loss of function.
NF1-related disorder. Also called: NF1-related condition. Identifiers: MedGen CN379171.

Allele frequency attached by ClinVar (database versions not stated): gnomAD exomes below 0.00001; gnomAD 0.00002; TOPMed 0.00002.
gnomAD v4.1: 9 of 1,538,282 alleles (0.00059%); highest among the groups gnomAD compares: Non-Finnish European, 0.00079%; no homozygotes.

Submissions (3):

Labcorp Genetics (formerly Invitae), Labcorp
Classification: Likely benign for Neurofibromatosis, type 1. Last evaluated: 2025-12-21. Review status: criteria provided, single submitter. Criteria: Invitae Variant Classification Sherloc (09022015). Collection method: clinical testing. Allele origin: germline.

Blueprint Genetics
Classification: Likely benign. Last evaluated: 2024-08-26. Review status: criteria provided, single submitter. Criteria: ACMG Guidelines, 2015. Collection method: clinical testing. Allele origin: germline.

PreventionGenetics, part of Exact Sciences
Classification: Likely benign for NF1-related condition. Last evaluated: 2020-08-24. Review status: no assertion criteria provided. Collection method: clinical testing. Allele origin: germline. Not counted in ClinVar's aggregate classification.
Comment: This variant is classified as likely benign based on ACMG/AMP sequence variant interpretation guidelines (Richards et al. 2015 PMID: 25741868, with internal and published modifications).